The following is an entry in ClinVar:

NM_007118.4(TRIO):c.9113G>A (p.Arg3038His)

Gene: TRIO (trio Rho guanine nucleotide exchange factor; plus strand). Cytogenetic location: 5p15.2.
Variant type: single nucleotide variant.
Coding change: c.9113G>A on transcript NM_007118.4 (MANE Select); coding-DNA position 9113, G replaced by A.
Protein change: p.Arg3038His; replaces arginine 3038 with histidine.
Molecular consequence: missense variant. On other transcripts: non-coding transcript variant (1).
Genome position (GRCh38, 1-based): chr5:14,508,241, G>A. VCF-style: chr5-14508241-G-A. GRCh37 (hg19) VCF-style: chr5-14508350-G-A.
Other names: short protein forms R3038H.
Identifiers: ClinVar variation 4528197 (VCV004528197.1).
Genomic context (GRCh38, chr5:14,508,241, plus strand): 5'-GAGTGAGCCAGAAGGCCAAGGAGTTCGTGTGCTTCCTCCTGCAGGAGGACCCCGCCAAGC[G>A]TCCCTCGGCTGCGCTGGCCCTCCAGGAGCAGTGGCTGCAGGCCGGCAACGGCAGAAGCAC-3'
Protein context (NP_009049.2, residues 3028-3048): CFLLQEDPAK[Arg3038His]PSAALALQEQ

ClinVar aggregate classification (germline): Uncertain significance (1 of 4 stars; one submission).

gnomAD v4.1: 10 of 1,614,062 alleles (0.00062%); highest among the groups gnomAD compares: Non-Finnish European, 0.00085%; no homozygotes.

Submission:

GeneDx
Classification: Uncertain significance. Last evaluated: 2025-05-08. Review status: criteria provided, single submitter. Criteria: GeneDx Variant Classification Process June 2021. Collection method: clinical testing. Allele origin: germline. Affected: yes.
Comment: In silico analysis supports that this missense variant has a deleterious effect on protein structure/function; Has not been previously published as pathogenic or benign to our knowledge